The following is an entry in ClinVar:

NM_006440.5(TXNRD2):c.1256A>C (p.His419Pro)

Gene: TXNRD2 (thioredoxin reductase 2; minus strand). Cytogenetic location: 22q11.21.
Variant type: single nucleotide variant.
Coding change: c.1256A>C on transcript NM_006440.5 (MANE Select); coding-DNA position 1256, A replaced by C.
Protein change: p.His419Pro; replaces histidine 419 with proline.
Molecular consequence: missense variant. On other transcripts: non-coding transcript variant (1).
Genome position (GRCh38, 1-based): chr22:19,880,198, T>G on the plus strand (A>C on the coding strand, the complement: TXNRD2 is on the minus strand). VCF-style: chr22-19880198-T-G. GRCh37 (hg19) VCF-style: chr22-19867721-T-G.
Other names: c.1253A>C, p.His418Pro (NM_001352300.2); c.1166A>C, p.His389Pro (NM_001352301.2); c.968A>C, p.His323Pro (NM_001352302.2); short protein forms H418P, H419P, H323P, H389P.
Identifiers: ClinVar variation 1761827 (VCV001761827.2), dbSNP rs2517274854, ClinGen allele CA410680891.
Genomic context (GRCh38, chr22:19,880,198, plus strand): 5'-GAGTCGCCACTGTCCTCAGCTGTGCTGCTCCCAGGCCTCACCTCAACATGCTCCTGCCCG[T>G]GGCGAGCCACTGCCTCCTCCTCGGACAGCCCCACACAGCCATACTCCAGCGGGGTGAAGA-3'
Protein context (NP_006431.2, residues 409-429): GLSEEEAVAR[His419Pro]GQEHVEVYHA

ClinVar aggregate classification (germline): Uncertain significance (1 of 4 stars; one submission).

Conditions:
Cardiovascular phenotype. Identifiers: MedGen CN230736.

Submission:

Ambry Genetics
Classification: Uncertain significance for Cardiovascular phenotype. Last evaluated: 2021-11-04. Review status: criteria provided, single submitter. Criteria: Ambry Variant Classification Scheme 2023. Collection method: clinical testing. Allele origin: germline.
Comment: The p.H419P variant (also known as c.1256A>C), located in coding exon 14 of the TXNRD2 gene, results from an A to C substitution at nucleotide position 1256. The histidine at codon 419 is replaced by proline, an amino acid with similar properties. This amino acid position is conserved. In addition, the in silico prediction for this alteration is inconclusive. Since supporting evidence is limited at this time, the clinical significance of this alteration remains unclear.